The following is an entry in ClinVar:

ClinVar aggregate classification (germline): Benign/Likely benign. Review status: criteria provided, multiple submitters, no conflicts (2 of 4 stars). 10 submissions from 10 submitters: Benign (2); Likely benign (8). Last evaluated 2026-07-06.

Conditions:
STK11-related disorder. Also called: STK11-related condition.
Hereditary cancer-predisposing syndrome. Also called: Neoplastic Syndromes, Hereditary; Tumor predisposition; Hereditary Cancer Syndrome; Hereditary neoplastic syndrome. Identifiers: Orphanet 140162, MedGen C0027672, MeSH D009386, MONDO:0015356.
Peutz-Jeghers syndrome (PJS). Also called: Peutz-Jeghers polyposis; Periorificial lentiginosis syndrome; POLYPOSIS, HAMARTOMATOUS INTESTINAL; POLYPS-AND-SPOTS SYNDROME. Identifiers: Orphanet 2869, MedGen C0031269, MeSH D010580, MONDO:0008280, OMIM 175200.

Submissions (10):

PreventionGenetics, part of Exact Sciences
Classification: Likely benign for STK11-related condition. Last evaluated: 2026-07-06. Review status: criteria provided, single submitter. Criteria: ACMG Guidelines, 2015. Collection method: clinical testing. Allele origin: germline.
Comment: This variant is classified as likely benign based on ACMG/AMP sequence variant interpretation guidelines (Richards et al. 2015 PMID: 25741868, with internal and published modifications).

Labcorp Genetics (formerly Invitae), Labcorp
Classification: Likely benign for Peutz-Jeghers syndrome. Last evaluated: 2026-01-19. Review status: criteria provided, single submitter. Criteria: Invitae Variant Classification Sherloc (09022015). Collection method: clinical testing. Allele origin: germline.

Quest Diagnostics Nichols Institute San Juan Capistrano
Classification: Likely benign. Last evaluated: 2025-07-02. Review status: criteria provided, single submitter. Criteria: Quest Diagnostics criteria. Collection method: clinical testing. Allele origin: unknown.

Myriad Genetics, Inc.
Classification: Benign for Peutz-Jeghers syndrome. Last evaluated: 2025-03-28. Review status: criteria provided, single submitter. Criteria: Myriad Autosomal Dominant, Autosomal Recessive and X-Linked Classification Criteria (2023). Collection method: clinical testing. Allele origin: unknown.
Comment: This variant is considered benign. This variant is a silent/synonymous amino acid change and it is not expected to impact splicing.

Blueprint Genetics
Classification: Likely benign. Last evaluated: 2024-11-12. Review status: criteria provided, single submitter. Criteria: ACMG Guidelines, 2015. Collection method: clinical testing. Allele origin: germline.

All of Us Research Program, National Institutes of Health
Classification: Likely benign for Peutz-Jeghers syndrome. Last evaluated: 2023-07-10. Review status: criteria provided, single submitter. Criteria: ACMG Guidelines, 2015. Collection method: clinical testing. Allele origin: germline. Inheritance: Autosomal dominant inheritance. Observed: 1 variant allele, 1 heterozygote.
Comment: This study involves interpretation of variants in research participants for the purpose of population health screening. Participant phenotype was not available at the time of variant classification. Additional details can be found in publication PMID: 35346344, PMCID: PMC8962531

Genome-Nilou Lab
Classification: Likely benign for Peutz-Jeghers syndrome. Last evaluated: 2021-07-15. Review status: criteria provided, single submitter. Criteria: ACMG Guidelines, 2015. Collection method: clinical testing. Allele origin: germline. Affected: no.

Ambry Genetics
Classification: Likely benign for Hereditary cancer-predisposing syndrome. Last evaluated: 2016-08-16. Review status: criteria provided, single submitter. Criteria: Ambry Variant Classification Scheme 2023. Collection method: clinical testing. Allele origin: germline.

Color Diagnostics, LLC DBA Color Health
Classification: Likely benign for Hereditary cancer-predisposing syndrome. Last evaluated: 2015-10-23. Review status: criteria provided, single submitter. Criteria: ACMG Guidelines, 2015. Collection method: clinical testing. Allele origin: germline.

GeneDx
Classification: Benign. Last evaluated: 2015-03-03. Review status: criteria provided, single submitter. Criteria: GeneDx Variant Classification Process June 2021. Collection method: clinical testing. Allele origin: germline. Affected: yes.

NM_000455.5(STK11):c.1167C>T (p.Ala389=)

Gene: STK11 (serine/threonine kinase 11; plus strand). Cytogenetic location: 19p13.3.
Variant type: single nucleotide variant.
Coding change: c.1167C>T on transcript NM_000455.5 (MANE Select); coding-DNA position 1167, C replaced by T.
Protein change: p.Ala389=; no amino-acid change (alanine 389 retained).
Molecular consequence: synonymous variant.
Genome position (GRCh38, 1-based): chr19:1,226,512, C>T. VCF-style: chr19-1226512-C-T. GRCh37 (hg19) VCF-style: chr19-1226511-C-T.
Identifiers: ClinVar variation 216426 (VCV000216426.27), dbSNP rs547919101, ClinGen allele CA045712.